The following is an entry in ClinVar:

ClinVar aggregate classification (germline): Uncertain significance. Review status: criteria provided, multiple submitters, no conflicts (2 of 4 stars). 2 submissions from 2 submitters: Uncertain significance (2). Last evaluated 2023-07-18.

Conditions:
Spastic paraplegia. Identifiers: MedGen C0037772, HP:0001258.

Allele frequency attached by ClinVar (database versions not stated): gnomAD exomes below 0.00001; gnomAD 0.00001; TOPMed 0.00001.
gnomAD v4.1: 6 of 1,613,776 alleles (0.00037%); highest among the groups gnomAD compares: African/African-American, 0.0013%; no homozygotes.

Submissions (3):

Athena Diagnostics
Classification: Uncertain significance. Last evaluated: 2023-07-18. Review status: criteria provided, single submitter. Criteria: Athena Diagnostics Criteria. Collection method: clinical testing. Allele origin: unknown.
Comment: Available data are insufficient to determine the clinical significance of the variant at this time. The frequency of this variant in the general population is uninformative in assessment of its pathogenicity. Computational tools yielded predictions that this variant may interfere with normal RNA splicing.

Labcorp Genetics (formerly Invitae), Labcorp
Classification: Uncertain significance for Spastic paraplegia. Last evaluated: 2022-05-25. Review status: criteria provided, single submitter. Criteria: Invitae Variant Classification Sherloc (09022015). Collection method: clinical testing. Allele origin: germline.
Comment: This sequence change replaces arginine, which is basic and polar, with tryptophan, which is neutral and slightly polar, at codon 698 of the SACS protein (p.Arg698Trp). This variant is not present in population databases (gnomAD no frequency). This variant has not been reported in the literature in individuals affected with SACS-related conditions. ClinVar contains an entry for this variant (Variation ID: 1256209). Algorithms developed to predict the effect of missense changes on protein structure and function are either unavailable or do not agree on the potential impact of this missense change (SIFT: "Deleterious"; PolyPhen-2: "Probably Damaging"; Align-GVGD: "Class C0"). Algorithms developed to predict the effect of sequence changes on RNA splicing suggest that this variant may disrupt the consensus splice site. In summary, the available evidence is currently insufficient to determine the role of this variant in disease. Therefore, it has been classified as a Variant of Uncertain Significance.

Dr. Peter K. Rogan Lab, Western University
No classification provided (evidence only). Condition: Sarcoma. Review status: no classification provided. Collection method: in vitro. Allele origin: not applicable. Functional consequence: retained intron. Not counted in ClinVar's aggregate classification.

NM_014363.6(SACS):c.2092A>T (p.Arg698Trp)

Gene: SACS (sacsin molecular chaperone; minus strand). Cytogenetic location: 13q12.12.
Variant type: single nucleotide variant.
Coding change: c.2092A>T on transcript NM_014363.6 (MANE Select); coding-DNA position 2092, A replaced by T.
Protein change: p.Arg698Trp; replaces arginine 698 with tryptophan.
Molecular consequence: missense variant.
Genome position (GRCh38, 1-based): chr13:23,354,520, T>A on the plus strand (A>T on the coding strand, the complement: SACS is on the minus strand). VCF-style: chr13-23354520-T-A. GRCh37 (hg19) VCF-style: chr13-23928659-T-A.
Other names: c.1651A>T, p.Arg551Trp (NM_001278055.2); short protein forms R551W, R698W.
Identifiers: ClinVar variation 1256209 (VCV001256209.5), dbSNP rs965068037, ClinGen allele CA246676955.
Genomic context (GRCh38, chr13:23,354,520, plus strand): 5'-GTGAGCAGGAGCAGGGGAACCCTAAGAGTGAACAGGAATGTTAGAAGGGGGACCCCTACC[T>A]TGGATATTCTGCTGAGGTAATATAAATGACATCTTGGTCTGATACAGATGAGGAGAAGGG-3'
Protein context (NP_055178.3, residues 688-708): VIYITSAEYP[Arg698Trp]SLFPSLEGRF